The following is an entry in ClinVar:

ClinVar aggregate classification (germline): Uncertain significance (1 of 4 stars; one submission).

Conditions:
Leigh syndrome (NULS). Also called: Leigh's necrotizing encephalopathy; Leigh's disease; Leigh Syndrome (mtDNA deletion); Leigh Disease; Subacute necrotizing encephalopathy; Necrotizing encephalopathy infantile subacute of Leigh. Identifiers: Orphanet 506, MedGen C2931891, MONDO:0009723, OMIM 256000.

Submission:

Wong Mito Lab, Molecular and Human Genetics, Baylor College of Medicine
Classification: Uncertain significance for Leigh syndrome. Last evaluated: 2019-10-17. Review status: criteria provided, single submitter. Criteria: Modified ACMG Guidelines (Unpublished). Collection method: clinical testing. Allele origin: germline.
Comment: The NC_012920.1:m.6505T>C (YP_003024028.1:p.Val201Ala) variant in MTCO1 gene is interpretated to be a Uncertain Significance variant based on the modified ACMG guidelines (unpublished). This variant meets the following evidence codes: PP3, PP7

NC_012920.1(MT-CO1):m.6505T>C

Gene: MT-CO1 (mitochondrially encoded cytochrome c oxidase I; plus strand).
Variant type: single nucleotide variant.
Genome position: chrM-6505-T-C.
Identifiers: ClinVar variation 692654 (VCV000692654.1), dbSNP rs28371932, ClinGen allele CA337097429.